The following is an entry in ClinVar:

ClinVar aggregate classification (germline): Likely pathogenic (1 of 4 stars; one submission).

Conditions:
Dubin-Johnson syndrome (DJS). Also called: Hyperbilirubinemia type 2; HYPERBILIRUBINEMIA, DUBIN-JOHNSON TYPE; Jaundice, Chronic Idiopathic. Identifiers: Orphanet 234, MedGen C0022350, MONDO:0009380, OMIM 237500.

Submission:

Juno Genomics, Hangzhou Juno Genomics, Inc
Classification: Likely pathogenic for Dubin-Johnson syndrome. Review status: criteria provided, single submitter. Criteria: ACMG Guidelines, 2015. Collection method: clinical testing. Allele origin: germline.
Comment: Null variant in a gene where loss of function (LOF) is a known mechanism of disease.;Absent from controls (or at extremely low frequency if recessive) in Genome Aggregation Database.

NM_000392.5(ABCC2):c.910del (p.Asp304fs)

Gene: ABCC2 (ATP binding cassette subfamily C member 2; plus strand). Cytogenetic location: 10q24.2.
Variant type: Deletion.
Coding change: c.910del on transcript NM_000392.5 (MANE Select); coding-DNA position 910, one base deleted (G; older notation c.910delG).
Protein change: p.Asp304fs; shifts the reading frame from aspartic acid 304.
Molecular consequence: frameshift variant.
Genome position (GRCh38, 1-based): chr10:99,799,249, G deleted. VCF-style (leftmost placement, unchanged base first): chr10-99799248-AG-A. GRCh37 (hg19) VCF-style: chr10-101559005-AG-A.
Other names: short protein forms D304fs.
Identifiers: ClinVar variation 5007757 (VCV005007757.2).